The following is an entry in ClinVar:

NM_001040716.2(PC):c.2601dup (p.Gly868fs)

Gene: PC (pyruvate carboxylase; minus strand). Cytogenetic location: 11q13.2.
Variant type: Duplication.
Coding change: c.2601dup on transcript NM_001040716.2 (MANE Select); coding-DNA position 2601, one base duplicated (A; older notation c.2601dupA).
Protein change: p.Gly868fs; shifts the reading frame from glycine 868.
Molecular consequence: frameshift variant.
Genome position (GRCh38, 1-based): chr11:66,850,337, T duplicated on the plus strand (A on the coding strand, the reverse complement: PC is on the minus strand). VCF-style (leftmost placement, unchanged base first): chr11-66850336-C-CT. GRCh37 (hg19) VCF-style: chr11-66617807-C-CT.
Other names: c.2601dup, p.Gly868fs (NM_000920.4, NM_001439352.1, NM_001439353.1 and 5 more transcripts); short protein forms G868fs.
Identifiers: ClinVar variation 5014994 (VCV005014994.1).

ClinVar aggregate classification (germline): Pathogenic (1 of 4 stars; one submission).

Conditions:
Pyruvate carboxylase deficiency. Also called: ATAXIA WITH LACTIC ACIDOSIS II; LEIGH NECROTIZING ENCEPHALOPATHY DUE TO PYRUVATE CARBOXYLASE DEFICIENCY; LEIGH SYNDROME DUE TO PYRUVATE CARBOXYLASE DEFICIENCY; PC DEFICIENCY; Pyruvate Carboxylase Deficiency Disease. Identifiers: Orphanet 3008, MedGen C0034341, MONDO:0009949, OMIM 266150.

Submission:

Myriad Genetics, Inc.
Classification: Pathogenic for Pyruvate carboxylase deficiency. Last evaluated: 2025-09-18. Review status: criteria provided, single submitter. Criteria: Myriad Autosomal Dominant, Autosomal Recessive and X-Linked Classification Criteria (2023). Collection method: clinical testing. Allele origin: unknown.
Comment: NM_000920.3(PC):c.2601dupA(G868Rfs*99) is expected to be pathogenic in the context of pyruvate carboxylase deficiency. This variant is predicted to lead to an abnormal or absent protein product due to the creation of a premature termination codon in PC, a gene where loss-of-function variants are known to be pathogenic. Please note: this variant was assessed in the context of healthy population screening.